The following is an entry in ClinVar:

GRCh37/hg19 17p11.2(chr17:16761814-20292897)x3

Genes: AKAP10 (A-kinase anchoring protein 10; minus strand), ALDH3A1 (aldehyde dehydrogenase 3 family member A1; minus strand), ALDH3A2 (aldehyde dehydrogenase 3 family member A2; plus strand), ALKBH5 (alkB homolog 5, RNA demethylase; plus strand), ATPAF2 (ATP synthase mitochondrial F1 complex assembly factor 2; minus strand) and 44 more. Cytogenetic location: 17p11.2.
Variant type: copy number gain.
Change: copy number 3 (three copies instead of two) of chr17:16,761,814-20,292,897 (3.53 Mb, GRCh37 coordinates, 1-based), cytogenetic band 17p11.2.
Identifiers: ClinVar variation 564411 (VCV000564411.2).

ClinVar aggregate classification (germline): Pathogenic (1 of 4 stars; one submission).

Submission:

Quest Diagnostics Nichols Institute San Juan Capistrano
Classification: Pathogenic. Last evaluated: 2024-08-13. Review status: criteria provided, single submitter. Criteria: ACMG/ClinGen CNV Guidelines, 2019. Collection method: clinical testing. Allele origin: unknown.
Comment: This copy number gain includes multiple protein-coding genes, including RAI1 (OMIM 607642), and is consistent with the triplosensitive 17p11.2 recurrent region (ISCA-37418). Duplications of this region are associated with Potocki-Lupski syndrome (OMIM 610883; Potocki 2007, Potocki 2017). Thus, this CNV is classified as pathogenic. References: Potocki et al., Am J Hum Genet. 2007 Apr;80(4):633-49.PMID: 17357070 Potocki et al., GeneReviews [Internet]. 2017 Aug 24. PMID: 28837307